The following is an entry in ClinVar:

NM_000069.3(CACNA1S):c.585C>T (p.Pro195=)

Gene: CACNA1S (calcium voltage-gated channel subunit alpha1 S; minus strand). Cytogenetic location: 1q32.1.
Variant type: single nucleotide variant.
Coding change: c.585C>T on transcript NM_000069.3 (MANE Select); coding-DNA position 585, C replaced by T.
Protein change: p.Pro195=; no amino-acid change (proline 195 retained).
Molecular consequence: synonymous variant.
Genome position (GRCh38, 1-based): chr1:201,091,749, G>A on the plus strand (C>T on the coding strand, the complement: CACNA1S is on the minus strand). VCF-style: chr1-201091749-G-A. GRCh37 (hg19) VCF-style: chr1-201060877-G-A.
Identifiers: ClinVar variation 3386402 (VCV003386402.1).
Genomic context (GRCh38, chr1:201,091,749, plus strand): 5'-CAGCCCGATGATGGCATAGATGATGACCATAAAGAGGACCAGCAGGGCGATGTGAAAGAG[G>A]GGGAGCATGGCCTTGAAGATGGAGTTCAGGACCACCTGCAGGCCTGCAGAGGCAGGCAGG-3'
Protein context (NP_000060.2, residues 185-205): VLNSIFKAML[Pro195=]LFHIALLVLF

ClinVar aggregate classification (germline): Likely benign (1 of 4 stars; one submission).

Conditions:
Malignant hyperthermia, susceptibility to, 5 (MHS5). Also called: CACNA1S-Related Malignant Hyperthermia Susceptibility. Identifiers: Orphanet 423, MedGen C1866077, MONDO:0011163, OMIM 601887.

gnomAD v4.1: 2 of 1,614,118 alleles (0.00012%); highest among the groups gnomAD compares: Admixed American, 0.0033%; no homozygotes.

Submission:

All of Us Research Program, National Institutes of Health
Classification: Likely benign for Malignant hyperthermia, susceptibility to, 5. Last evaluated: 2024-08-23. Review status: criteria provided, single submitter. Criteria: ACMG Guidelines, 2015. Collection method: clinical testing. Allele origin: germline. Inheritance: Autosomal dominant inheritance. Observed: 1 variant allele, 1 heterozygote.
Comment: This study involves interpretation of variants in research participants for the purpose of population health screening. Participant phenotype was not available at the time of variant classification. Additional details can be found in publication PMID: 35346344, PMCID: PMC8962531